The following is an entry in ClinVar:

NM_000426.4(LAMA2):c.4103CAA[1] (p.Thr1369del)

Gene: LAMA2 (laminin subunit alpha 2; plus strand). Cytogenetic location: 6q22.33.
Variant type: Microsatellite.
Coding change: c.4103CAA[1] on transcript NM_000426.4 (MANE Select); one copy of the 3-base unit CAA starting at c.4103; the reference has two copies in a row; one copy, 3 bases deleted.
Protein change: p.Thr1369del; deletes threonine 1369.
Molecular consequence: inframe deletion.
Genome position (GRCh38, 1-based): chr6:129,320,585-129,320,587, CAA deleted; deleting any 3 consecutive bases within chr6:129,320,580-129,320,587 gives the same sequence; the position shown is the placement nearest the transcript's 3' end. VCF-style (leftmost placement, unchanged base first): chr6-129320579-GAAC-G. GRCh37 (hg19) VCF-style: chr6-129641724-GAAC-G.
Other names: c.4103CAA[1], p.Thr1369del (NM_001079823.2); short protein forms T1369del.
Identifiers: ClinVar variation 5003755 (VCV005003755.1).

ClinVar aggregate classification (germline): Uncertain significance (1 of 4 stars; one submission).

Conditions:
LAMA2-related muscular dystrophy (LAMA2-RD). Also called: Laminin alpha 2-related dystrophy. Identifiers: MedGen C5679788, MONDO:0100228.

Submission:

Myriad Genetics, Inc.
Classification: Uncertain significance for LAMA2-related muscular dystrophy. Last evaluated: 2025-07-29. Review status: criteria provided, single submitter. Criteria: Myriad Autosomal Dominant, Autosomal Recessive and X-Linked Classification Criteria (2023). Collection method: clinical testing. Allele origin: unknown.
Comment: NM_000426.3(LAMA2):c.4106_4108delCAA(T1369del) is an in-frame deletion classified as a variant of uncertain significance in the context of muscular dystrophy, LAMA2-related. T1369del has not been observed in cases with relevant disease. Relevant functional assessments of this variant are not available in the literature. T1369del has not been observed in referenced population frequency databases. In summary, there is insufficient evidence to classify NM_000426.3(LAMA2):c.4106_4108delCAA(T1369del) as pathogenic or benign. Please note: this variant was assessed in the context of healthy population screening.